The following is an entry in ClinVar:

ClinVar aggregate classification (germline): Uncertain significance (1 of 4 stars; one submission).

Allele frequency attached by ClinVar (database versions not stated): gnomAD exomes below 0.00001 and 0.00001; gnomAD 0.00001.
gnomAD v4.1: 4 of 1,613,426 alleles (0.00025%); highest among the groups gnomAD compares: African/African-American, 0.0027%; no homozygotes.

Submission:

Labcorp Genetics (formerly Invitae), Labcorp
Classification: Uncertain significance. Last evaluated: 2025-03-27. Review status: criteria provided, single submitter. Criteria: Invitae Variant Classification Sherloc (09022015). Collection method: clinical testing. Allele origin: germline.
Comment: This sequence change replaces isoleucine, which is neutral and non-polar, with valine, which is neutral and non-polar, at codon 289 of the TNNI3K protein (p.Ile289Val). The frequency data for this variant in the population databases is considered unreliable, as metrics indicate poor data quality at this position in the gnomAD database. This variant has not been reported in the literature in individuals affected with TNNI3K-related conditions. ClinVar contains an entry for this variant (Variation ID: 1389899). Invitae Evidence Modeling of protein sequence and biophysical properties (such as structural, functional, and spatial information, amino acid conservation, physicochemical variation, residue mobility, and thermodynamic stability) indicates that this missense variant is not expected to disrupt TNNI3K protein function with a negative predictive value of 80%. In summary, the available evidence is currently insufficient to determine the role of this variant in disease. Therefore, it has been classified as a Variant of Uncertain Significance.

NM_015978.3(TNNI3K):c.865A>G (p.Ile289Val)

Genes: TNNI3K (TNNI3 interacting kinase; plus strand), FPGT-TNNI3K (FPGT-TNNI3K readthrough; plus strand). Cytogenetic location: 1p31.1.
Variant type: single nucleotide variant.
Coding change: c.865A>G on transcript NM_015978.3 (MANE Select); coding-DNA position 865, A replaced by G.
Protein change: p.Ile289Val; replaces isoleucine 289 with valine.
Molecular consequence: missense variant.
Genome position (GRCh38, 1-based): chr1:74,343,112, A>G. VCF-style: chr1-74343112-A-G. GRCh37 (hg19) VCF-style: chr1-74808796-A-G.
Other names: c.1168A>G, p.Ile390Val (NM_001112808.3, NM_001199327.2); short protein forms I289V, I390V.
Identifiers: ClinVar variation 1389899 (VCV001389899.6), dbSNP rs201140300, ClinGen allele CA24525104.
Genomic context (GRCh38, chr1:74,343,112, plus strand): 5'-CAAGATATTTTCTTCAAATCTAGGGCATGCTACAATGGCAAATTTGAAGTTGCCAAGGAA[A>G]TCATCCAAATATCAGGAACAGAAAGTCTGACTAAGGAAAACATCTTCAGTGAAACAGCTT-3'
Protein context (NP_057062.1, residues 279-299): YNGKFEVAKE[Ile289Val]IQISGTESLT